The following is an entry in ClinVar:

ClinVar aggregate classification (germline): Uncertain significance (1 of 4 stars; one submission).

Conditions:
Myasthenic syndrome, congenital, 22 (CMS22). Also called: PREPL DEFICIENCY. Identifiers: MedGen C4479088, MONDO:0044299, OMIM 616224.

gnomAD v4.1: 2 of 1,614,168 alleles (0.00012%); highest among the groups gnomAD compares: Admixed American, 0.0017%; no homozygotes.

Submission:

Labcorp Genetics (formerly Invitae), Labcorp
Classification: Uncertain significance for Myasthenic syndrome, congenital, 22. Last evaluated: 2022-04-22. Review status: criteria provided, single submitter. Criteria: Invitae Variant Classification Sherloc (09022015). Collection method: clinical testing. Allele origin: germline.
Comment: This sequence change replaces valine, which is neutral and non-polar, with aspartic acid, which is acidic and polar, at codon 303 of the PREPL protein (p.Val303Asp). This variant is not present in population databases (gnomAD no frequency). This variant has not been reported in the literature in individuals affected with PREPL-related conditions. Algorithms developed to predict the effect of missense changes on protein structure and function are either unavailable or do not agree on the potential impact of this missense change (SIFT: "Deleterious"; PolyPhen-2: "Possibly Damaging"; Align-GVGD: "Class C15"). In summary, the available evidence is currently insufficient to determine the role of this variant in disease. Therefore, it has been classified as a Variant of Uncertain Significance.

NM_001171613.2(PREPL):c.641T>A (p.Val214Asp)

Gene: PREPL (prolyl endopeptidase like; minus strand). Cytogenetic location: 2p21.
Variant type: single nucleotide variant.
Coding change: c.641T>A on transcript NM_001171613.2 (MANE Select); coding-DNA position 641, T replaced by A.
Protein change: p.Val214Asp; replaces valine 214 with aspartic acid.
Molecular consequence: missense variant.
Genome position (GRCh38, 1-based): chr2:44,339,208, A>T on the plus strand (T>A on the coding strand, the complement: PREPL is on the minus strand). VCF-style: chr2-44339208-A-T. GRCh37 (hg19) VCF-style: chr2-44566347-A-T.
Other names: c.908T>A, p.Val303Asp (NM_001042385.2, NM_001042386.2, NM_001171603.1 and 4 more transcripts); c.641T>A, p.Val214Asp (NM_001171617.1, NM_001374277.1); short protein forms V214D, V303D.
Identifiers: ClinVar variation 2161065 (VCV002161065.4), dbSNP rs1553357044, ClinGen allele CA346691911.